The following is an entry in ClinVar:

ClinVar aggregate classification (germline): Likely pathogenic (1 of 4 stars; one submission).

Submission:

Labcorp Genetics (formerly Invitae), Labcorp
Classification: Likely pathogenic. Last evaluated: 2020-03-23. Review status: criteria provided, single submitter. Criteria: Invitae Variant Classification Sherloc (09022015). Collection method: clinical testing. Allele origin: germline.
Comment: In summary, the currently available evidence indicates that the variant is pathogenic, but additional data are needed to prove that conclusively. Therefore, this variant has been classified as Likely Pathogenic. Experimental studies and prediction algorithms are not available or were not evaluated, and the functional significance of this variant is currently unknown. This variant is an in-frame deletion of the genomic region encompassing exon 7 of the PHEX gene. It preserves the integrity of the reading frame.

NC_000023.10:g.(?_22112101)_(22112217_?)del

Gene: PHEX (phosphate regulating endopeptidase X-linked; plus strand). Cytogenetic location: Xp22.11.
Variant type: Deletion.
Identifiers: ClinVar variation 1067917 (VCV001067917.7).